The following is an entry in ClinVar:

NM_207346.3(TSEN54):c.709C>T (p.Pro237Ser)

Gene: TSEN54 (tRNA splicing endonuclease subunit 54; plus strand). Cytogenetic location: 17q25.1.
Variant type: single nucleotide variant.
Coding change: c.709C>T on transcript NM_207346.3 (MANE Select); coding-DNA position 709, C replaced by T.
Protein change: p.Pro237Ser; replaces proline 237 with serine.
Molecular consequence: missense variant.
Genome position (GRCh38, 1-based): chr17:75,521,790, C>T. VCF-style: chr17-75521790-C-T. GRCh37 (hg19) VCF-style: chr17-73517871-C-T.
Other names: short protein forms P237S.
Identifiers: ClinVar variation 1309455 (VCV001309455.3), dbSNP rs745470927, ClinGen allele CA8764252.

ClinVar aggregate classification (germline): Uncertain significance. Review status: criteria provided, multiple submitters, no conflicts (2 of 4 stars). 2 submissions from 2 submitters: Uncertain significance (2). Last evaluated 2024-12-10.

Conditions:
Inborn genetic diseases. Identifiers: MedGen C0950123, MeSH D030342.

Allele frequency attached by ClinVar (database versions not stated): gnomAD exomes below 0.00001; ExAC 0.00003; gnomAD 0.00004 and 0.00005; TOPMed 0.00005.
gnomAD v4.1: 10 of 1,613,038 alleles (0.00062%); highest among the groups gnomAD compares: African/African-American, 0.012%; no homozygotes.

Submissions (2):

Ambry Genetics
Classification: Uncertain significance for Inborn genetic diseases. Last evaluated: 2024-12-10. Review status: criteria provided, single submitter. Criteria: Ambry Variant Classification Scheme 2023. Collection method: clinical testing. Allele origin: germline.

GeneDx
Classification: Uncertain significance. Last evaluated: 2019-10-16. Review status: criteria provided, single submitter. Criteria: GeneDx Variant Classification Process June 2021. Collection method: clinical testing. Allele origin: germline. Affected: yes.
Comment: In silico analysis, which includes protein predictors and evolutionary conservation, supports that this variant does not alter protein structure/function; Has not been previously published as pathogenic or benign to our knowledge